The following is an entry in ClinVar:

ClinVar aggregate classification (germline): Uncertain significance. Review status: criteria provided, multiple submitters, no conflicts (2 of 4 stars). 4 submissions from 4 submitters: Uncertain significance (4). Last evaluated 2026-03-27.

Conditions:
Hereditary cancer-predisposing syndrome. Also called: Neoplastic Syndromes, Hereditary; Hereditary Cancer Syndrome; Hereditary neoplastic syndrome; Tumor predisposition. Identifiers: Orphanet 140162, MedGen C0027672, MeSH D009386, MONDO:0015356.
Gastrointestinal stromal tumor. Also called: Gastrointestinal stroma tumor; Gastrointestinal stromal tumor, somatic. Identifiers: Orphanet 44890, MedGen C0238198, MeSH D046152, MONDO:0011719, OMIM 606764, HP:0100723.

Allele frequency attached by ClinVar (database versions not stated): TOPMed 0.00001; gnomAD exomes below 0.00001 and 0.00001; ExAC 0.00001.
gnomAD v4.1: 3 of 1,613,572 alleles (0.00019%); highest among the groups gnomAD compares: Non-Finnish European, 0.00025%; no homozygotes.

Submissions (4):

Ambry Genetics
Classification: Uncertain significance for Hereditary cancer-predisposing syndrome. Last evaluated: 2026-03-27. Review status: criteria provided, single submitter. Criteria: Ambry Variant Classification Scheme 2023. Collection method: clinical testing. Allele origin: germline.
Comment: The p.D760V variant (also known as c.2279A>T), located in coding exon 16 of the KIT gene, results from an A to T substitution at nucleotide position 2279. The aspartic acid at codon 760 is replaced by valine, an amino acid with highly dissimilar properties. This amino acid position is well conserved in available vertebrate species. In addition, this alteration is predicted to be deleterious by in silico analysis. Based on the available evidence, the clinical significance of this variant remains unclear.

Labcorp Genetics (formerly Invitae), Labcorp
Classification: Uncertain significance for Gastrointestinal stromal tumor. Last evaluated: 2024-10-23. Review status: criteria provided, single submitter. Criteria: Invitae Variant Classification Sherloc (09022015). Collection method: clinical testing. Allele origin: germline.
Comment: This sequence change replaces aspartic acid, which is acidic and polar, with valine, which is neutral and non-polar, at codon 760 of the KIT protein (p.Asp760Val). This variant is present in population databases (rs747847018, gnomAD 0.0009%). This variant has not been reported in the literature in individuals affected with KIT-related conditions. ClinVar contains an entry for this variant (Variation ID: 409776). An algorithm developed to predict the effect of missense changes on protein structure and function (PolyPhen-2) suggests that this variant is likely to be disruptive. In summary, the available evidence is currently insufficient to determine the role of this variant in disease. Therefore, it has been classified as a Variant of Uncertain Significance.

Baylor Genetics
Classification: Uncertain significance for Gastrointestinal stromal tumor. Last evaluated: 2024-01-22. Review status: criteria provided, single submitter. Criteria: ACMG Guidelines, 2015. Collection method: clinical testing. Allele origin: unknown.

GeneDx
Classification: Uncertain significance. Last evaluated: 2023-06-21. Review status: criteria provided, single submitter. Criteria: GeneDx Variant Classification Process June 2021. Collection method: clinical testing. Allele origin: germline. Affected: yes.
Comment: Not observed at significant frequency in large population cohorts (gnomAD); In silico analysis supports that this missense variant has a deleterious effect on protein structure/function; Has not been previously published as pathogenic or benign to our knowledge

NM_000222.3(KIT):c.2279A>T (p.Asp760Val)

Gene: KIT (KIT proto-oncogene, receptor tyrosine kinase; plus strand). Cytogenetic location: 4q12.
Variant type: single nucleotide variant.
Coding change: c.2279A>T on transcript NM_000222.3 (MANE Select); coding-DNA position 2279, A replaced by T.
Protein change: p.Asp760Val; replaces aspartic acid 760 with valine.
Molecular consequence: missense variant.
Genome position (GRCh38, 1-based): chr4:54,731,916, A>T. VCF-style: chr4-54731916-A-T. GRCh37 (hg19) VCF-style: chr4-55598082-A-T.
Other names: c.2267A>T, p.Asp756Val (NM_001093772.2, NM_001385292.1); c.2282A>T, p.Asp761Val (NM_001385284.1); c.2276A>T, p.Asp759Val (NM_001385285.1); c.2264A>T, p.Asp755Val (NM_001385286.1); c.2270A>T, p.Asp757Val (NM_001385288.1); c.2279A>T, p.Asp760Val (NM_001385290.1); short protein forms D760V, D756V, D755V, D757V, D759V, D761V.
Identifiers: ClinVar variation 409776 (VCV000409776.13), dbSNP rs747847018, ClinGen allele CA2923711.